The following is an entry in ClinVar:

NM_000138.5(FBN1):c.7627A>C (p.Asn2543His)

Gene: FBN1 (fibrillin 1; minus strand). Cytogenetic location: 15q21.1.
Variant type: single nucleotide variant.
Coding change: c.7627A>C on transcript NM_000138.5 (MANE Select); coding-DNA position 7627, A replaced by C.
Protein change: p.Asn2543His; replaces asparagine 2543 with histidine.
Molecular consequence: missense variant.
Genome position (GRCh38, 1-based): chr15:48,421,630, T>G on the plus strand (A>C on the coding strand, the complement: FBN1 is on the minus strand). VCF-style: chr15-48421630-T-G. GRCh37 (hg19) VCF-style: chr15-48713827-T-G.
Other names: c.7627A>C, p.Asn2543His (NM_001406716.1); short protein forms N2543H.
Identifiers: ClinVar variation 2944327 (VCV002944327.3), dbSNP rs2505397981, ClinGen allele CA392325218.

ClinVar aggregate classification (germline): Uncertain significance (1 of 4 stars; one submission).

Conditions:
Marfan syndrome (MFS). Also called: MARFAN SYNDROME, TYPE I; Marfan syndrome type 1; Marfan's syndrome; Marfan syndrome, classic; FBN1-Related Marfan Syndrome. Identifiers: Orphanet 284963, Orphanet 558, MedGen C0024796, MONDO:0007947, OMIM 154700.
Familial thoracic aortic aneurysm and aortic dissection (TAAD). Also called: Thoracic aortic aneurysms and dissections. Identifiers: Orphanet 91387, MedGen C4707243, MONDO:0019625.

Submission:

Labcorp Genetics (formerly Invitae), Labcorp
Classification: Uncertain significance for Marfan syndrome; Familial thoracic aortic aneurysm and aortic dissection. Last evaluated: 2023-02-15. Review status: criteria provided, single submitter. Criteria: Invitae Variant Classification Sherloc (09022015). Collection method: clinical testing. Allele origin: germline.
Comment: This sequence change replaces asparagine, which is neutral and polar, with histidine, which is basic and polar, at codon 2543 of the FBN1 protein (p.Asn2543His). This variant is not present in population databases (gnomAD no frequency). This variant has not been reported in the literature in individuals affected with FBN1-related conditions. Advanced modeling of protein sequence and biophysical properties (such as structural, functional, and spatial information, amino acid conservation, physicochemical variation, residue mobility, and thermodynamic stability) performed at Invitae indicates that this missense variant is expected to disrupt FBN1 protein function. In summary, the available evidence is currently insufficient to determine the role of this variant in disease. Therefore, it has been classified as a Variant of Uncertain Significance.